The following is an entry in ClinVar:

ClinVar aggregate classification (germline): Uncertain significance. Review status: criteria provided, multiple submitters, no conflicts (2 of 4 stars). 2 submissions from 2 submitters: Uncertain significance (2). Last evaluated 2025-05-05.

Conditions:
Hereditary cancer-predisposing syndrome. Also called: Hereditary Cancer Syndrome; Hereditary neoplastic syndrome; Tumor predisposition; Neoplastic Syndromes, Hereditary. Identifiers: Orphanet 140162, MedGen C0027672, MeSH D009386, MONDO:0015356.
Cardiovascular phenotype. Identifiers: MedGen CN230736.

Submissions (2):

Ambry Genetics
Classification: Uncertain significance for Cardiovascular phenotype; Hereditary cancer-predisposing syndrome. Last evaluated: 2025-05-05. Review status: criteria provided, single submitter. Criteria: Ambry Variant Classification Scheme 2023. Collection method: clinical testing. Allele origin: germline.
Comment: The p.E563V variant (also known as c.1688A>T), located in coding exon 15 of the LZTR1 gene, results from an A to T substitution at nucleotide position 1688. The glutamic acid at codon 563 is replaced by valine, an amino acid with dissimilar properties. This amino acid position is conserved. In addition, the in silico prediction for this alteration is inconclusive. Based on the available evidence, the clinical significance of this variant remains unclear.

Labcorp Genetics (formerly Invitae), Labcorp
Classification: Uncertain significance. Last evaluated: 2024-07-19. Review status: criteria provided, single submitter. Criteria: Invitae Variant Classification Sherloc (09022015). Collection method: clinical testing. Allele origin: germline.
Comment: This sequence change replaces glutamic acid, which is acidic and polar, with valine, which is neutral and non-polar, at codon 563 of the LZTR1 protein (p.Glu563Val). This variant is not present in population databases (gnomAD no frequency). This variant has not been reported in the literature in individuals affected with LZTR1-related conditions. Advanced modeling of protein sequence and biophysical properties (such as structural, functional, and spatial information, amino acid conservation, physicochemical variation, residue mobility, and thermodynamic stability) performed at Invitae indicates that this missense variant is not expected to disrupt LZTR1 protein function with a negative predictive value of 80%. In summary, the available evidence is currently insufficient to determine the role of this variant in disease. Therefore, it has been classified as a Variant of Uncertain Significance.

NM_006767.4(LZTR1):c.1688A>T (p.Glu563Val)

Gene: LZTR1 (leucine zipper like post translational regulator 1; plus strand). Cytogenetic location: 22q11.21.
Variant type: single nucleotide variant.
Coding change: c.1688A>T on transcript NM_006767.4 (MANE Select); coding-DNA position 1688, A replaced by T.
Protein change: p.Glu563Val; replaces glutamic acid 563 with valine.
Molecular consequence: missense variant.
Genome position (GRCh38, 1-based): chr22:20,994,630, A>T. VCF-style: chr22-20994630-A-T. GRCh37 (hg19) VCF-style: chr22-21348919-A-T.
Other names: c.1688A>T (NM_006767.3); short protein forms E563V.
Identifiers: ClinVar variation 2903452 (VCV002903452.4), dbSNP rs2518621800, ClinGen allele CA410777793.
Genomic context (GRCh38, chr22:20,994,630, plus strand): 5'-ATGTGCTGCTCATCATGGATGTGTACAAACTGGCACTGAGCTTCCAGTTGTGCCGCCTGG[A>T]GCAGCTGTGCCGCCAGTACATCGAGGCCTCCGTGGACCTGCAGAACGTGCTGGTTGTGTG-3'
Protein context (NP_006758.2, residues 553-573): LALSFQLCRL[Glu563Val]QLCRQYIEAS